The following is an entry in ClinVar:

NM_152296.5(ATP1A3):c.2025C>T (p.His675=)

Gene: ATP1A3 (ATPase Na+/K+ transporting subunit alpha 3; minus strand). Cytogenetic location: 19q13.2.
Variant type: single nucleotide variant.
Coding change: c.2025C>T on transcript NM_152296.5 (MANE Select); coding-DNA position 2025, C replaced by T.
Protein change: p.His675=; no amino-acid change (histidine 675 retained).
Molecular consequence: synonymous variant.
Genome position (GRCh38, 1-based): chr19:41,976,485, G>A on the plus strand (C>T on the coding strand, the complement: ATP1A3 is on the minus strand). VCF-style: chr19-41976485-G-A. GRCh37 (hg19) VCF-style: chr19-42480637-G-A.
Other names: c.2058C>T, p.His686= (NM_001256213.2); c.2064C>T, p.His688= (NM_001256214.2); c.2064C>T (NM_001256214.1).
Identifiers: ClinVar variation 1150432 (VCV001150432.11), dbSNP rs1394039204, ClinGen allele CA507585367.
Genomic context (GRCh38, chr19:41,976,485, plus strand): 5'-ACAGCCCTCCACAATGATGAGCTTCTGCTGGGGGGATGTGCGGGCGAAGACGATCTCGGT[G>A]TGATTCTGCAGGATCTCGTCGATTTGCTCGGAGGTGAAGTCCTTGAGGTCGGTGCCGTGG-3'
Protein context (NP_689509.1, residues 665-685): SEQIDEILQN[His675=]TEIVFARTSP

ClinVar aggregate classification (germline): Likely benign. Review status: criteria provided, single submitter (1 of 4 stars). 2 submissions from 2 submitters: Likely benign (1). 1 of the submissions does not count toward it. Last evaluated 2024-03-06.

Conditions:
ATP1A3-related disorder. Also called: ATP1A3-related condition; ATP1A3-related disorders. Identifiers: MedGen CN381097.
Dystonia 12 (DYT12). Also called: DYT-ATP1A3; Rapid-Onset Dystonia-Parkinsonism (RDP). Identifiers: Orphanet 71517, MedGen C1868681, MONDO:0007496, OMIM 128235.

Allele frequency attached by ClinVar (database versions not stated): gnomAD exomes below 0.00001 and 0.00001; gnomAD 0.00001; TOPMed 0.00001.
gnomAD v4.1: 12 of 1,614,096 alleles (0.00074%); highest among the groups gnomAD compares: Middle Eastern, 0.033%; 1 homozygote.

Submissions (2):

Labcorp Genetics (formerly Invitae), Labcorp
Classification: Likely benign for Dystonia 12. Last evaluated: 2024-03-06. Review status: criteria provided, single submitter. Criteria: Invitae Variant Classification Sherloc (09022015). Collection method: clinical testing. Allele origin: germline.

PreventionGenetics, part of Exact Sciences
Classification: Likely benign for ATP1A3-related condition. Last evaluated: 2021-03-23. Review status: no assertion criteria provided. Collection method: clinical testing. Allele origin: germline. Not counted in ClinVar's aggregate classification.
Comment: This variant is classified as likely benign based on ACMG/AMP sequence variant interpretation guidelines (Richards et al. 2015 PMID: 25741868, with internal and published modifications).